The following is an entry in ClinVar:

NM_001846.4(COL4A2):c.2096-1G>A

Gene: COL4A2 (collagen type IV alpha 2 chain; plus strand). Cytogenetic location: 13q34.
Variant type: single nucleotide variant.
Coding change: c.2096-1G>A on transcript NM_001846.4 (MANE Select); the canonical splice acceptor site of the intron before coding-DNA position 2096, G replaced by A.
Molecular consequence: splice acceptor variant.
Genome position (GRCh38, 1-based): chr13:110,469,216, G>A. VCF-style: chr13-110469216-G-A. GRCh37 (hg19) VCF-style: chr13-111121563-G-A.
Identifiers: ClinVar variation 3897505 (VCV003897505.1).

ClinVar aggregate classification (germline): Uncertain significance (1 of 4 stars; one submission).

Submission:

GeneDx
Classification: Uncertain significance. Last evaluated: 2024-10-30. Review status: criteria provided, single submitter. Criteria: GeneDx Variant Classification Process June 2021. Collection method: clinical testing. Allele origin: germline. Affected: yes.
Comment: Not observed at significant frequency in large population cohorts (gnomAD); Canonical splice site variant with an unclear effect on protein function; Has not been previously published as pathogenic or benign to our knowledge